The following is an entry in ClinVar:

ClinVar aggregate classification (germline): Uncertain significance (1 of 4 stars; one submission).

Allele frequency attached by ClinVar (database versions not stated): TOPMed below 0.00001; gnomAD 0.00001; gnomAD exomes 0.00001 and 0.00002; ExAC 0.00002.
gnomAD v4.1: 21 of 1,612,638 alleles (0.0013%); highest among the groups gnomAD compares: South Asian, 0.0033%; no homozygotes.

Submission:

Labcorp Genetics (formerly Invitae), Labcorp
Classification: Uncertain significance. Last evaluated: 2018-03-30. Review status: criteria provided, single submitter. Criteria: Invitae Variant Classification Sherloc (09022015). Collection method: clinical testing. Allele origin: germline.
Comment: This variant is present in population databases (rs779070461, ExAC 0.006%). This sequence change replaces glycine with arginine at codon 650 of the FRAS1 protein (p.Gly650Arg). The glycine residue is moderately conserved and there is a moderate physicochemical difference between glycine and arginine. This variant has not been reported in the literature in individuals with FRAS1-related disease. In summary, the available evidence is currently insufficient to determine the role of this variant in disease. Therefore, it has been classified as a Variant of Uncertain Significance. Algorithms developed to predict the effect of sequence changes on RNA splicing suggest that this variant may create or strengthen a splice site, but this prediction has not been confirmed by published transcriptional studies. Algorithms developed to predict the effect of missense changes on protein structure and function output the following: SIFT: "Tolerated"; PolyPhen-2: "Benign"; Align-GVGD: "Class C0". The arginine amino acid residue is found in multiple mammalian species, suggesting that this missense change does not adversely affect protein function. These predictions have not been confirmed by published functional studies and their clinical significance is uncertain.

NM_025074.7(FRAS1):c.1948G>A (p.Gly650Arg)

Gene: FRAS1 (Fraser extracellular matrix complex subunit 1; plus strand). Cytogenetic location: 4q21.21.
Variant type: single nucleotide variant.
Coding change: c.1948G>A on transcript NM_025074.7 (MANE Select); coding-DNA position 1948, G replaced by A.
Protein change: p.Gly650Arg; replaces glycine 650 with arginine.
Molecular consequence: missense variant.
Genome position (GRCh38, 1-based): chr4:78,317,496, G>A. VCF-style: chr4-78317496-G-A. GRCh37 (hg19) VCF-style: chr4-79238650-G-A.
Other names: c.1948G>A, p.Gly650Arg (NM_001166133.2); short protein forms G650R.
Identifiers: ClinVar variation 1062839 (VCV001062839.9), dbSNP rs779070461, ClinGen allele CA2976495.